The following is an entry in ClinVar:

ClinVar aggregate classification (germline): Uncertain significance (0 of 4 stars; one submission).

Conditions:
GABBR2-related disorder. Also called: GABBR2-related condition; GABBR2-related disorders.

gnomAD v4.1: 2 of 1,613,762 alleles (0.00012%); highest among the groups gnomAD compares: Non-Finnish European, 0.00017%; no homozygotes.

Submission:

PreventionGenetics, part of Exact Sciences
Classification: Uncertain significance for GABBR2-related condition. Last evaluated: 2024-05-15. Review status: no assertion criteria provided. Collection method: clinical testing. Allele origin: germline.
Comment: The GABBR2 c.971C>T variant is predicted to result in the amino acid substitution p.Ser324Phe. To our knowledge, this variant has not been reported in the literature or in a large population database, indicating this variant is rare. At this time, the clinical significance of this variant is uncertain due to the absence of conclusive functional and genetic evidence.

NM_005458.8(GABBR2):c.971C>T (p.Ser324Phe)

Gene: GABBR2 (gamma-aminobutyric acid type B receptor subunit 2; minus strand). Cytogenetic location: 9q22.33.
Variant type: single nucleotide variant.
Coding change: c.971C>T on transcript NM_005458.8 (MANE Select); coding-DNA position 971, C replaced by T.
Protein change: p.Ser324Phe; replaces serine 324 with phenylalanine.
Molecular consequence: missense variant.
Genome position (GRCh38, 1-based): chr9:98,473,174, G>A on the plus strand (C>T on the coding strand, the complement: GABBR2 is on the minus strand). VCF-style: chr9-98473174-G-A. GRCh37 (hg19) VCF-style: chr9-101235456-G-A.
Other names: short protein forms S324F.
Identifiers: ClinVar variation 3346613 (VCV003346613.1).